The following is an entry in ClinVar:

ClinVar aggregate classification (germline): Uncertain significance (1 of 4 stars; one submission).

gnomAD v4.1: 3 of 1,587,100 alleles (0.00019%); highest among the groups gnomAD compares: Non-Finnish European, 0.00026%; no homozygotes.

Submission:

Labcorp Genetics (formerly Invitae), Labcorp
Classification: Uncertain significance. Last evaluated: 2025-02-08. Review status: criteria provided, single submitter. Criteria: Invitae Variant Classification Sherloc (09022015). Collection method: clinical testing. Allele origin: germline.
Comment: This sequence change replaces proline, which is neutral and non-polar, with leucine, which is neutral and non-polar, at codon 971 of the COL11A2 protein (p.Pro971Leu). This variant is not present in population databases (gnomAD no frequency). This variant has not been reported in the literature in individuals affected with COL11A2-related conditions. Invitae Evidence Modeling of protein sequence and biophysical properties (such as structural, functional, and spatial information, amino acid conservation, physicochemical variation, residue mobility, and thermodynamic stability) indicates that this missense variant is not expected to disrupt COL11A2 protein function with a negative predictive value of 95%. In summary, the available evidence is currently insufficient to determine the role of this variant in disease. Therefore, it has been classified as a Variant of Uncertain Significance.

NM_080680.3(COL11A2):c.2912C>T (p.Pro971Leu)

Gene: COL11A2 (collagen type XI alpha 2 chain; minus strand). Cytogenetic location: 6p21.32.
Variant type: single nucleotide variant.
Coding change: c.2912C>T on transcript NM_080680.3 (MANE Select); coding-DNA position 2912, C replaced by T.
Protein change: p.Pro971Leu; replaces proline 971 with leucine.
Molecular consequence: missense variant.
Genome position (GRCh38, 1-based): chr6:33,172,365, G>A on the plus strand (C>T on the coding strand, the complement: COL11A2 is on the minus strand). VCF-style: chr6-33172365-G-A. GRCh37 (hg19) VCF-style: chr6-33140142-G-A.
Other names: c.2732C>T, p.Pro911Leu (NM_001424108.1); c.2066C>T, p.Pro689Leu (NM_001424109.1); c.1886C>T, p.Pro629Leu (NM_001424110.1, NM_001424111.1); c.866C>T, p.Pro289Leu (NM_001424112.1); c.2591C>T, p.Pro864Leu (NM_080679.3); c.2654C>T, p.Pro885Leu (NM_080681.3); short protein forms P689L, P971L, P629L, P864L, P885L, P289L, P911L.
Identifiers: ClinVar variation 3683524 (VCV003683524.2).